The following is an entry in ClinVar:

NM_001034853.2(RPGR):c.247G>A (p.Ala83Thr)

Gene: RPGR (retinitis pigmentosa GTPase regulator; minus strand). Cytogenetic location: Xp11.4.
Variant type: single nucleotide variant.
Coding change: c.247G>A on transcript NM_001034853.2 (MANE Select); coding-DNA position 247, G replaced by A.
Protein change: p.Ala83Thr; replaces alanine 83 with threonine.
Molecular consequence: missense variant. On other transcripts: non-coding transcript variant (6).
Genome position (GRCh38, 1-based): chrX:38,322,853, C>T on the plus strand (G>A on the coding strand, the complement: RPGR is on the minus strand). VCF-style: chrX-38322853-C-T. GRCh37 (hg19) VCF-style: chrX-38182106-C-T.
Other names: c.247G>A, p.Ala83Thr (NM_000328.3, NM_001367245.1, NM_001367246.1 and 4 more transcripts); c.277G>A, p.Ala93Thr (NM_001367248.1); short protein forms A83T, A93T.
Identifiers: ClinVar variation 975127 (VCV000975127.6), dbSNP rs2067974263, ClinGen allele CA412745496.

ClinVar aggregate classification (germline): Uncertain significance. Review status: criteria provided, multiple submitters, no conflicts (2 of 4 stars). 3 submissions from 3 submitters: Uncertain significance (2). 1 of the submissions does not count toward it. Last evaluated 2026-08-26.

Conditions:
RPGR-related disorder. Also called: RPGR-related condition.
Retinal dystrophy. Also called: Inherited retinal dystrophy. Identifiers: Orphanet 71862, MedGen C0854723, MeSH D058499, MONDO:0019118, HP:0000556.

Submissions (3):

PreventionGenetics, part of Exact Sciences
Classification: Uncertain significance for RPGR-related condition. Last evaluated: 2026-08-26. Review status: criteria provided, single submitter. Criteria: ACMG Guidelines, 2015. Collection method: clinical testing. Allele origin: germline.
Comment: The RPGR c.247G>A variant is predicted to result in the amino acid substitution p.Ala83Thr. This variant has been reported with uncertain significance in an individual with retinitis pigmentosa (Table S2, Pantrangi et al. 2024. PubMed ID: 38586605). This variant affects the last nucleotide of the exon and is predicted to disrupt canonical splicing (SpliceAI score >0.2, Jaganathan et al. 2019. PubMed ID: 30661751). Alternate variants affecting this same splice site (c.247+1G>A and c.247+2T>C) have been reported in individuals with retinitis pigmentosa (Table S1, Karali et al. 2022. PubMed ID: 36460718; Table S5, Huang et al. 2018. PubMed ID: 29641573). This variant is absent in a large population database (gnomAD), indicating this variant is rare. Although we suspect that this variant may be pathogenic, at this time, the clinical significance of this variant is uncertain due to the absence of conclusive functional and genetic evidence.

Blueprint Genetics
Classification: Uncertain significance. Last evaluated: 2019-09-05. Review status: criteria provided, single submitter. Criteria: ACMG Guidelines, 2015. Collection method: clinical testing. Allele origin: germline.

Institute of Human Genetics, Univ. Regensburg, Univ. Regensburg
Classification: Uncertain significance for Retinal dystrophy. Last evaluated: 2020-01-01. Review status: no assertion criteria provided. Criteria: ACMG Guidelines, 2015. Collection method: clinical testing. Allele origin: germline. Affected: yes. Not counted in ClinVar's aggregate classification.